The following is an entry in ClinVar:

ClinVar aggregate classification (germline): Uncertain significance (1 of 4 stars; one submission).

Submission:

Labcorp Genetics (formerly Invitae), Labcorp
Classification: Uncertain significance. Last evaluated: 2022-07-18. Review status: criteria provided, single submitter. Criteria: Invitae Variant Classification Sherloc (09022015). Collection method: clinical testing. Allele origin: germline.
Comment: This sequence change creates a premature translational stop signal (p.Leu686Phefs*8) in the GFM2 gene. It is expected to result in an absent or disrupted protein product. However, the current clinical and genetic evidence is not sufficient to establish whether loss-of-function variants in GFM2 cause disease. This variant is not present in population databases (gnomAD no frequency). This variant has not been reported in the literature in individuals affected with GFM2-related conditions. In summary, the available evidence is currently insufficient to determine the role of this variant in disease. Therefore, it has been classified as a Variant of Uncertain Significance.

NM_032380.5(GFM2):c.2057dup (p.Leu686fs)

Gene: GFM2 (GTP dependent ribosome recycling factor mitochondrial 2; minus strand). Cytogenetic location: 5q13.3.
Variant type: Duplication.
Coding change: c.2057dup on transcript NM_032380.5 (MANE Select); coding-DNA position 2057, one base duplicated (T; older notation c.2057dupT).
Protein change: p.Leu686fs; shifts the reading frame from leucine 686.
Molecular consequence: frameshift variant. On other transcripts: non-coding transcript variant (1).
Genome position (GRCh38, 1-based): chr5:74,722,533, A duplicated on the plus strand (T on the coding strand, the reverse complement: GFM2 is on the minus strand); the first of 4 consecutive A bases (chr5:74,722,533-74,722,536); duplicating any one gives the same sequence. VCF-style (leftmost placement, unchanged base first): chr5-74722532-C-CA. GRCh37 (hg19) VCF-style: chr5-74018357-C-CA.
Other names: c.2153dup, p.Leu718fs (NM_001281302.2); c.1916dup, p.Leu639fs (NM_170691.3); short protein forms L639fs, L718fs, L686fs.
Identifiers: ClinVar variation 2016595 (VCV002016595.4), dbSNP rs2478790319, ClinGen allele CA2580073429.